The following is an entry in ClinVar:

NM_000245.4(MET):c.1274A>T (p.Gln425Leu)

Gene: MET (MET proto-oncogene, receptor tyrosine kinase; plus strand). Cytogenetic location: 7q31.2.
Variant type: single nucleotide variant.
Coding change: c.1274A>T on transcript NM_000245.4 (MANE Select); coding-DNA position 1274, A replaced by T.
Protein change: p.Gln425Leu; replaces glutamine 425 with leucine.
Molecular consequence: missense variant. On other transcripts: 5 prime UTR variant (1).
Genome position (GRCh38, 1-based): chr7:116,731,741, A>T. VCF-style: chr7-116731741-A-T. GRCh37 (hg19) VCF-style: chr7-116371795-A-T.
Other names: c.1274A>T, p.Gln425Leu (NM_001127500.3, NM_001324401.3); c.-17A>T (NM_001324402.2); short protein forms Q425L.
Identifiers: ClinVar variation 3232906 (VCV003232906.3), dbSNP rs1793013042, ClinGen allele CA368972826.

ClinVar aggregate classification (germline): Uncertain significance. Review status: criteria provided, multiple submitters, no conflicts (2 of 4 stars). 2 submissions from 2 submitters: Uncertain significance (2). Last evaluated 2024-02-26.

Conditions:
Hereditary cancer-predisposing syndrome. Also called: Neoplastic Syndromes, Hereditary; Tumor predisposition; Hereditary neoplastic syndrome; Hereditary Cancer Syndrome. Identifiers: Orphanet 140162, MedGen C0027672, MeSH D009386, MONDO:0015356.
Renal cell carcinoma. Identifiers: Orphanet 217071, MedGen C0007134, MeSH D002292, MONDO:0005086, HP:0005584.

Allele frequency attached by ClinVar (database versions not stated): gnomAD exomes below 0.00001.
gnomAD v4.1: 1 of 1,614,152 alleles (0.000062%); highest among the groups gnomAD compares: Non-Finnish European, 0.000085%; no homozygotes.

Submissions (2):

Labcorp Genetics (formerly Invitae), Labcorp
Classification: Uncertain significance for Renal cell carcinoma. Last evaluated: 2024-02-26. Review status: criteria provided, single submitter. Criteria: Invitae Variant Classification Sherloc (09022015). Collection method: clinical testing. Allele origin: germline.
Comment: This sequence change replaces glutamine, which is neutral and polar, with leucine, which is neutral and non-polar, at codon 425 of the MET protein (p.Gln425Leu). This variant is not present in population databases (gnomAD no frequency). This variant has not been reported in the literature in individuals affected with MET-related conditions. Advanced modeling of protein sequence and biophysical properties (such as structural, functional, and spatial information, amino acid conservation, physicochemical variation, residue mobility, and thermodynamic stability) has been performed at Invitae for this missense variant, however the output from this modeling did not meet the statistical confidence thresholds required to predict the impact of this variant on MET protein function. In summary, the available evidence is currently insufficient to determine the role of this variant in disease. Therefore, it has been classified as a Variant of Uncertain Significance.

Ambry Genetics
Classification: Uncertain significance for Hereditary cancer-predisposing syndrome. Last evaluated: 2023-11-08. Review status: criteria provided, single submitter. Criteria: Ambry Variant Classification Scheme 2023. Collection method: clinical testing. Allele origin: germline.
Comment: The p.Q425L variant (also known as c.1274A>T), located in coding exon 2 of the MET gene, results from an A to T substitution at nucleotide position 1274. The glutamine at codon 425 is replaced by leucine, an amino acid with dissimilar properties. This amino acid position is conserved. In addition, this alteration is predicted to be tolerated by in silico analysis. Since supporting evidence is limited at this time, the clinical significance of this alteration remains unclear.